The following is an entry in ClinVar:

NM_007254.4(PNKP):c.984del (p.Leu329fs)

Gene: PNKP (polynucleotide kinase 3'-phosphatase; minus strand). Cytogenetic location: 19q13.33.
Variant type: Deletion.
Coding change: c.984del on transcript NM_007254.4 (MANE Select); coding-DNA position 984, one base deleted (T; older notation c.984delT).
Protein change: p.Leu329fs; shifts the reading frame from leucine 329.
Molecular consequence: frameshift variant.
Genome position (GRCh38, 1-based): chr19:49,862,416, A deleted on the plus strand (T on the coding strand, the reverse complement: PNKP is on the minus strand); the first of 3 consecutive A bases (chr19:49,862,416-49,862,418); deleting any one gives the same sequence. VCF-style (leftmost placement, unchanged base first): chr19-49862415-GA-G. GRCh37 (hg19) VCF-style: chr19-50365672-GA-G.
Other names: short protein forms L329fs.
Identifiers: ClinVar variation 1069274 (VCV001069274.7), dbSNP rs1163218519, ClinGen allele CA883147588.

ClinVar aggregate classification (germline): Pathogenic (1 of 4 stars; one submission).

Conditions:
Developmental and epileptic encephalopathy, 12 (DEE12). Identifiers: MedGen C3150988, MONDO:0013389, OMIM 613722.

Submission:

Labcorp Genetics (formerly Invitae), Labcorp
Classification: Pathogenic for Developmental and epileptic encephalopathy, 12. Last evaluated: 2023-04-19. Review status: criteria provided, single submitter. Criteria: Invitae Variant Classification Sherloc (09022015). Collection method: clinical testing. Allele origin: germline.
Comment: For these reasons, this variant has been classified as Pathogenic. ClinVar contains an entry for this variant (Variation ID: 1069274). This variant has not been reported in the literature in individuals affected with PNKP-related conditions. This variant is not present in population databases (gnomAD no frequency). This sequence change creates a premature translational stop signal (p.Leu329Serfs*33) in the PNKP gene. It is expected to result in an absent or disrupted protein product. Loss-of-function variants in PNKP are known to be pathogenic (PMID: 20118933, 25728773).

Literature cited by the submitters: PubMed 20118933; PubMed 25728773.